The following is an entry in ClinVar:

NM_001378454.1(ALMS1):c.9997_9999del (p.Lys3333del)

Gene: ALMS1 (ALMS1 centrosome and basal body associated protein; plus strand). Cytogenetic location: 2p13.1.
Variant type: Deletion.
Coding change: c.9997_9999del on transcript NM_001378454.1 (MANE Select); coding-DNA positions 9997 to 9999, 3 bases deleted (AAA; older notation c.9997_9999delAAA).
Protein change: p.Lys3333del; deletes lysine 3333.
Molecular consequence: inframe deletion.
Genome position (GRCh38, 1-based): chr2:73,550,356-73,550,358, AAA deleted. VCF-style (leftmost placement, unchanged base first): chr2-73550355-TAAA-T. GRCh37 (hg19) VCF-style: chr2-73777482-TAAA-T.
Other names: c.10000_10002del, p.Lys3334del (NM_015120.4); short protein forms K3333del, K3334del.
Identifiers: ClinVar variation 3257343 (VCV003257343.17).
Genomic context (GRCh38, chr2:73,550,355, plus strand): 5'-CCCAGCTCAGGTGCTAGGCACAAGAGATGATGACCTCTCAGCCACTGTTAACATTAAACA[TAAA>T]GAAGGAATCTACAGTAAGAGGGTAGTGACTAAGGCATCCTTGCCAGTGGGAGAAAAACCC-3'

ClinVar aggregate classification (germline): Uncertain significance (1 of 4 stars; one submission).

Submission:

CeGaT Center for Human Genetics Tuebingen
Classification: Uncertain significance. Last evaluated: 2024-07-01. Review status: criteria provided, single submitter. Criteria: CeGaT Center For Human Genetics Tuebingen Variant Classification Criteria Version 2. Collection method: clinical testing. Allele origin: germline. Affected: yes. Observed: 1 variant allele.
Comment: ALMS1: PM2, PM4:Supporting, BP4